The following is an entry in ClinVar:

ClinVar aggregate classification (germline): Likely benign (0 of 4 stars; one submission).

Conditions:
FHIT-related disorder. Also called: FHIT-related condition.

Allele frequency attached by ClinVar (database versions not stated): TOPMed 0.00004; gnomAD 0.00022; ExAC 0.00065; 1000 Genomes Project 30x 0.00187; 1000 Genomes Project 0.00200.
gnomAD v4.1: 443 of 1,613,802 alleles (0.027%); highest among the groups gnomAD compares: South Asian, 0.44%; 7 homozygotes.

Submission:

PreventionGenetics, part of Exact Sciences
Classification: Likely benign for FHIT-related condition. Last evaluated: 2022-12-28. Review status: no assertion criteria provided. Collection method: clinical testing. Allele origin: germline.
Comment: This variant is classified as likely benign based on ACMG/AMP sequence variant interpretation guidelines (Richards et al. 2015 PMID: 25741868, with internal and published modifications).

NM_002012.4(FHIT):c.301C>T (p.Pro101Ser)

Gene: FHIT (fragile histidine triad diadenosine triphosphatase; minus strand). Cytogenetic location: 3p14.2.
Variant type: single nucleotide variant.
Coding change: c.301C>T on transcript NM_002012.4 (MANE Select); coding-DNA position 301, C replaced by T.
Protein change: p.Pro101Ser; replaces proline 101 with serine.
Molecular consequence: missense variant. On other transcripts: non-coding transcript variant (1), intron variant (2).
Genome position (GRCh38, 1-based): chr3:59,922,393, G>A on the plus strand (C>T on the coding strand, the complement: FHIT is on the minus strand). VCF-style: chr3-59922393-G-A. GRCh37 (hg19) VCF-style: chr3-59908119-G-A.
Other names: c.301C>T, p.Pro101Ser (NM_001166243.3, NM_001320899.2, NM_001320900.2); c.133C>T, p.Pro45Ser (NM_001320901.2); c.279+88978C>T (NM_001354589.2, NM_001354590.2); short protein forms P101S, P45S.
Identifiers: ClinVar variation 3049106 (VCV003049106.2), dbSNP rs533270218, ClinGen allele CA2473847.